The following is an entry in ClinVar:

ClinVar aggregate classification (germline): Likely pathogenic (1 of 4 stars; one submission).

Conditions:
Combined immunodeficiency due to STIM1 deficiency. Also called: STIM1 DEFICIENCY; IMMUNODEFICIENCY 10. Identifiers: Orphanet 169090, Orphanet 317430, MedGen C2748557, MONDO:0013008, OMIM 612783.
Stormorken syndrome (STRMK). Also called: THROMBOCYTOPATHY, ASPLENIA, AND MIOSIS. Identifiers: Orphanet 3204, MedGen C1861451, MONDO:0008497, OMIM 185070.
Myopathy with tubular aggregates (TAM). Also called: Tubular Aggregate Myopathy. Identifiers: Orphanet 2593, MedGen C0410207, MONDO:0008051.

Submission:

Labcorp Genetics (formerly Invitae), Labcorp
Classification: Likely pathogenic for Myopathy with tubular aggregates; Combined immunodeficiency due to STIM1 deficiency; Stormorken syndrome. Last evaluated: 2024-10-01. Review status: criteria provided, single submitter. Criteria: Invitae Variant Classification Sherloc (09022015). Collection method: clinical testing. Allele origin: germline.
Comment: This sequence change affects a donor splice site in intron 2 of the STIM1 gene. It is expected to disrupt RNA splicing. Variants that disrupt the donor or acceptor splice site typically lead to a loss of protein function (PMID: 16199547), and loss-of-function variants in STIM1 are known to be pathogenic (PMID: 19420366, 20876309). This variant is not present in population databases (gnomAD no frequency). This variant has not been reported in the literature in individuals affected with STIM1-related conditions. In summary, the currently available evidence indicates that the variant is pathogenic, but additional data are needed to prove that conclusively. Therefore, this variant has been classified as Likely Pathogenic.

Literature cited by the submitters: PubMed 16199547; PubMed 19420366; PubMed 20876309.

NM_001382567.1(STIM1):c.270+1_270+2insCCGGGCGCGGTGGCTCACGCCTGTAATCCCAGCACTTTGGGAGGCCGAGGCGGGCGGATCACGAGGTCAGGNNNNNNNNNNAAAAAAAAAAAAAAAAAAAAAAGAAAGTGATGAGG

Gene: STIM1 (stromal interaction molecule 1; plus strand). Cytogenetic location: 11p15.4.
Variant type: Insertion.
Coding change: c.270+1_270+2insCCGGGCGCGGTGGCTCACGCCTGTAATCCCAGCACTTTGGGAGGCCGAGGCGGGCGGATCACGAGGTCAGGNNNNNNNNNNAAAAAAAAAAAAAAAAAAAAAAGAAAGTGATGAGG on transcript NM_001382567.1 (MANE Select); the canonical splice donor site of the intron after coding-DNA position 270, CCGGGCGCGGTGGCTCACGCCTGTAATCCCAGCACTTTGGGAGGCCGAGGCGGGCGGATCACGAGGTCAGGNNNNNNNNNNAAAAAAAAAAAAAAAAAAAAAAGAAAGTGATGAGG inserted.
Molecular consequence: splice donor variant. On other transcripts: intron variant (4).
Genome position: GRCh38: chr11:3,967,683-3,967,684. GRCh37 (hg19): chr11:3,988,913-3,988,914.
Other names: c.48+1_48+2insCCGGGCGCGGTGGCTCACGCCTGTAATCCCAGCACTTTGGGAGGCCGAGGCGGGCGGATCACGAGGTCAGGNNNNNNNNNNAAAAAAAAAAAAAAAAAAAAAAGAAAGTGATGAGG (NM_001382578.1, NM_001382575.1, NM_001382576.1 and 5 more transcripts); c.-219-56190_-219-56189insCCGGGCGCGGTGGCTCACGCCTGTAATCCCAGCACTTTGGGAGGCCGAGGCGGGCGGATCACGAGGTCAGGNNNNNNNNNNAAAAAAAAAAAAAAAAAAAAAAGAAAGTGATGAGG (NM_001382580.1, NM_001382581.1); c.270+1_270+2insCCGGGCGCGGTGGCTCACGCCTGTAATCCCAGCACTTTGGGAGGCCGAGGCGGGCGGATCACGAGGTCAGGNNNNNNNNNNAAAAAAAAAAAAAAAAAAAAAAGAAAGTGATGAGG (NM_001382568.1, NM_001277962.2, NM_003156.4 and 3 more transcripts); c.136-56190_136-56189insCCGGGCGCGGTGGCTCACGCCTGTAATCCCAGCACTTTGGGAGGCCGAGGCGGGCGGATCACGAGGTCAGGNNNNNNNNNNAAAAAAAAAAAAAAAAAAAAAAGAAAGTGATGAGG (NM_001382569.1); c.-98-56190_-98-56189insCCGGGCGCGGTGGCTCACGCCTGTAATCCCAGCACTTTGGGAGGCCGAGGCGGGCGGATCACGAGGTCAGGNNNNNNNNNNAAAAAAAAAAAAAAAAAAAAAAGAAAGTGATGAGG (NM_001382571.1).
Identifiers: ClinVar variation 3759326 (VCV003759326.2).